The following is an entry in ClinVar:

NM_001267550.2(TTN):c.69541A>G (p.Lys23181Glu)

Genes: TTN (titin; minus strand), TTN-AS1 (TTN antisense RNA 1; plus strand). Cytogenetic location: 2q31.2.
Variant type: single nucleotide variant.
Coding change: c.69541A>G on transcript NM_001267550.2 (MANE Select); coding-DNA position 69541, A replaced by G.
Protein change: p.Lys23181Glu; replaces lysine 23181 with glutamic acid.
Molecular consequence: missense variant.
Genome position (GRCh38, 1-based): chr2:178,576,703, T>C on the plus strand (A>G on the coding strand, the complement: TTN is on the minus strand). VCF-style: chr2-178576703-T-C. GRCh37 (hg19) VCF-style: chr2-179441430-T-C.
Other names: c.64618A>G, p.Lys21540Glu (NM_001256850.1); c.42346A>G, p.Lys14116Glu (NM_003319.4); c.61837A>G, p.Lys20613Glu (NM_133378.4); c.42721A>G, p.Lys14241Glu (NM_133432.3); c.42922A>G, p.Lys14308Glu (NM_133437.4); short protein forms K14116E, K21540E, K14241E, K14308E, K20613E, K23181E.
Identifiers: ClinVar variation 1738931 (VCV001738931.2), dbSNP rs2468743621, ClinGen allele CA349667654.

ClinVar aggregate classification (germline): Uncertain significance (1 of 4 stars; one submission).

Conditions:
Cardiovascular phenotype. Identifiers: MedGen CN230736.

Allele frequency attached by ClinVar (database versions not stated): gnomAD exomes below 0.00001.
gnomAD v4.1: 1 of 1,613,522 alleles (0.000062%); highest among the groups gnomAD compares: Non-Finnish European, 0.000085%; no homozygotes.

Submission:

Ambry Genetics
Classification: Uncertain significance for Cardiovascular phenotype. Last evaluated: 2019-05-23. Review status: criteria provided, single submitter. Criteria: Ambry Variant Classification Scheme 2023. Collection method: clinical testing. Allele origin: germline.
Comment: The p.K14116E variant (also known as c.42346A>G), located in coding exon 152 of the TTN gene, results from an A to G substitution at nucleotide position 42346. The lysine at codon 14116 is replaced by glutamic acid, an amino acid with similar properties. This amino acid position is well conserved in available vertebrate species. In addition, this alteration is predicted to be tolerated by in silico analysis. Since supporting evidence is limited at this time, the clinical significance of this alteration remains unclear.